The following is an entry in ClinVar:

ClinVar aggregate classification (germline): Uncertain significance. Review status: criteria provided, single submitter (1 of 4 stars). 2 submissions from 2 submitters: Uncertain significance (1). 1 of the submissions does not count toward it. Last evaluated 2022-04-08.

Conditions:
Glycogen storage disease type III (GSD3). Also called: Cori disease; FORBES DISEASE. Identifiers: Orphanet 366, MedGen C0017922, MONDO:0009291, OMIM 232400.

Allele frequency attached by ClinVar (database versions not stated): gnomAD exomes 0.00001; TOPMed 0.00001; ExAC 0.00002; gnomAD 0.00002; ESP Exome Variant Server 0.00008.
gnomAD v4.1: 13 of 1,613,968 alleles (0.00081%); highest among the groups gnomAD compares: African/African-American, 0.0013%; no homozygotes.

Submissions (2):

Labcorp Genetics (formerly Invitae), Labcorp
Classification: Uncertain significance for Glycogen storage disease type III. Last evaluated: 2022-04-08. Review status: criteria provided, single submitter. Criteria: Invitae Variant Classification Sherloc (09022015). Collection method: clinical testing. Allele origin: germline.
Comment: This sequence change replaces arginine, which is basic and polar, with glycine, which is neutral and non-polar, at codon 252 of the AGL protein (p.Arg252Gly). This variant is present in population databases (rs373804474, gnomAD 0.004%). This variant has not been reported in the literature in individuals affected with AGL-related conditions. ClinVar contains an entry for this variant (Variation ID: 577123). Algorithms developed to predict the effect of missense changes on protein structure and function (SIFT, PolyPhen-2, Align-GVGD) all suggest that this variant is likely to be tolerated. Algorithms developed to predict the effect of sequence changes on RNA splicing suggest that this variant may create or strengthen a splice site. In summary, the available evidence is currently insufficient to determine the role of this variant in disease. Therefore, it has been classified as a Variant of Uncertain Significance.

Natera, Inc.
Classification: Uncertain significance for Glycogen storage disease type III. Last evaluated: 2019-10-28. Review status: no assertion criteria provided. Collection method: clinical testing. Allele origin: germline. Not counted in ClinVar's aggregate classification.

NM_000642.3(AGL):c.754A>G (p.Arg252Gly)

Gene: AGL (amylo-alpha-1,6-glucosidase and 4-alpha-glucanotransferase; plus strand). Cytogenetic location: 1p21.2.
Variant type: single nucleotide variant.
Coding change: c.754A>G on transcript NM_000642.3 (MANE Select); coding-DNA position 754, A replaced by G.
Protein change: p.Arg252Gly; replaces arginine 252 with glycine.
Molecular consequence: missense variant.
Genome position (GRCh38, 1-based): chr1:99,870,489, A>G. VCF-style: chr1-99870489-A-G. GRCh37 (hg19) VCF-style: chr1-100336045-A-G.
Other names: c.754A>G, p.Arg252Gly (NM_000028.3, NM_000643.3, NM_000644.3 and 3 more transcripts); c.706A>G, p.Arg236Gly (NM_000646.3); c.550A>G, p.Arg184Gly (NM_001425328.1, NM_001425329.1); c.376A>G, p.Arg126Gly (NM_001425332.1); short protein forms R252G, R236G, R126G, R184G.
Identifiers: ClinVar variation 577123 (VCV000577123.10), dbSNP rs373804474, ClinGen allele CA966258.